The following is an entry in ClinVar:

NM_001394713.1(PERM1):c.642T>C (p.Pro214=)

Gene: PERM1 (PPARGC1 and ESRR induced regulator, muscle 1; minus strand). Cytogenetic location: 1p36.33.
Variant type: single nucleotide variant.
Coding change: c.642T>C on transcript NM_001394713.1 (MANE Select); coding-DNA position 642, T replaced by C.
Protein change: p.Pro214=; no amino-acid change (proline 214 retained).
Molecular consequence: synonymous variant.
Genome position (GRCh38, 1-based): chr1:980,388, A>G on the plus strand (T>C on the coding strand, the complement: PERM1 is on the minus strand). VCF-style: chr1-980388-A-G. GRCh37 (hg19) VCF-style: chr1-915768-A-G.
Other names: c.642T>C, p.Pro214= (NM_001291366.2, NM_001369897.1, NM_001369898.1); c.300T>C, p.Pro100= (NM_001291367.2).
Identifiers: ClinVar variation 2637984 (VCV002637984.24), dbSNP rs568513607, ClinGen allele CA507284.

ClinVar aggregate classification (germline): Likely benign (1 of 4 stars; one submission).

Allele frequency attached by ClinVar (database versions not stated): 1000 Genomes Project 0.00080; 1000 Genomes Project 30x 0.00094; TOPMed 0.00325; gnomAD 0.00336; ExAC 0.00340.
gnomAD v4.1: 6,882 of 1,550,044 alleles (0.44%); highest among the groups gnomAD compares: Non-Finnish European, 0.53%; 18 homozygotes.

Submission:

CeGaT Center for Human Genetics Tuebingen
Classification: Likely benign. Last evaluated: 2022-12-01. Review status: criteria provided, single submitter. Criteria: CeGaT Center For Human Genetics Tuebingen Variant Classification Criteria Version 2. Collection method: clinical testing. Allele origin: germline. Affected: yes. Observed: 1 variant allele.
Comment: PERM1: BP4, BP7, BS2